The following is an entry in ClinVar:

NM_144670.6(A2ML1):c.3707C>T (p.Ser1236Phe)

Gene: A2ML1 (alpha-2-macroglobulin like 1; plus strand). Cytogenetic location: 12p13.31.
Variant type: single nucleotide variant.
Coding change: c.3707C>T on transcript NM_144670.6 (MANE Select); coding-DNA position 3707, C replaced by T.
Protein change: p.Ser1236Phe; replaces serine 1236 with phenylalanine.
Molecular consequence: missense variant.
Genome position (GRCh38, 1-based): chr12:8,863,998, C>T. VCF-style: chr12-8863998-C-T. GRCh37 (hg19) VCF-style: chr12-9016594-C-T.
Other names: c.2234C>T, p.Ser745Phe (NM_001282424.3); short protein forms S745F, S1236F.
Identifiers: ClinVar variation 2564140 (VCV002564140.3), dbSNP rs199877166, ClinGen allele CA6436448.

ClinVar aggregate classification (germline): Uncertain significance. Review status: criteria provided, multiple submitters, no conflicts (2 of 4 stars). 2 submissions from 2 submitters: Uncertain significance (2). Last evaluated 2025-12-06.

Allele frequency attached by ClinVar (database versions not stated): ExAC 0.00001; gnomAD 0.00001; TOPMed 0.00001.
gnomAD v4.1: 14 of 1,611,876 alleles (0.00087%); highest among the groups gnomAD compares: Non-Finnish European, 0.0011%; no homozygotes.

Submissions (2):

Labcorp Genetics (formerly Invitae), Labcorp
Classification: Uncertain significance. Last evaluated: 2025-12-06. Review status: criteria provided, single submitter. Criteria: Invitae Variant Classification Sherloc (09022015). Collection method: clinical testing. Allele origin: germline.
Comment: This sequence change replaces serine, which is neutral and polar, with phenylalanine, which is neutral and non-polar, at codon 1236 of the A2ML1 protein (p.Ser1236Phe). This variant is present in population databases (rs199877166, gnomAD 0.0009%). This variant has not been reported in the literature in individuals affected with A2ML1-related conditions. ClinVar contains an entry for this variant (Variation ID: 2564140). An algorithm developed to predict the effect of missense changes on protein structure and function (PolyPhen-2) suggests that this variant is likely to be disruptive. In summary, the available evidence is currently insufficient to determine the role of this variant in disease. Therefore, it has been classified as a Variant of Uncertain Significance.

Ambry Genetics
Classification: Uncertain significance. Last evaluated: 2023-04-18. Review status: criteria provided, single submitter. Criteria: Ambry Variant Classification Scheme 2023. Collection method: clinical testing. Allele origin: germline.
Comment: The p.S1236F variant (also known as c.3707C>T), located in coding exon 29 of the A2ML1 gene, results from a C to T substitution at nucleotide position 3707. The serine at codon 1236 is replaced by phenylalanine, an amino acid with highly dissimilar properties. This amino acid position is conserved. In addition, this alteration is predicted to be tolerated by in silico analysis. Since supporting evidence is limited at this time, the clinical significance of this alteration remains unclear.